The following is an entry in ClinVar:

NC_000023.10:g.(?_13732526)_(13762658_?)dup

Genes: OFD1 (OFD1 centriole and centriolar satellite protein; plus strand), TRAPPC2 (trafficking protein particle complex subunit 2; minus strand). Cytogenetic location: Xp22.2.
Variant type: Duplication.
Identifiers: ClinVar variation 1477605 (VCV001477605.6).

ClinVar aggregate classification (germline): Uncertain significance (1 of 4 stars; one submission).

Conditions:
Joubert syndrome. Also called: CEREBELLOPARENCHYMAL DISORDER IV; JOUBERT-BOLTSHAUSER SYNDROME; Familial aplasia of the vermis. Identifiers: Orphanet 475, MedGen C5979921, MONDO:0018772.
Orofaciodigital syndrome I (OFD1). Also called: OFDS I; Papillon-Leage and Psaume Syndrome; Oral-Facial-Digital Syndrome Type I. Identifiers: Orphanet 2750, MedGen C1510460, MONDO:0010702, OMIM 311200.

Submission:

Labcorp Genetics (formerly Invitae), Labcorp
Classification: Uncertain significance for Orofaciodigital syndrome I; Joubert syndrome. Last evaluated: 2022-12-17. Review status: criteria provided, single submitter. Criteria: Invitae Variant Classification Sherloc (09022015). Collection method: clinical testing. Allele origin: germline.
Comment: In summary, the available evidence is currently insufficient to determine the role of this variant in disease. Therefore, it has been classified as a Variant of Uncertain Significance. This variant has not been reported in the literature in individuals affected with OFD1-related conditions. This variant results in a copy number gain of the genomic region encompassing exon(s) 1-6 of the OFD1 gene. This region includes the initiator codon of the gene. This copy number gain extends beyond the assayed region for this gene and therefore may encompass additional genes. As the precise location of this event is unknown, it may be in tandem or it may be located elsewhere in the genome.